The following is an entry in ClinVar:

NM_000206.3(IL2RG):c.846G>A (p.Trp282Ter)

Gene: IL2RG (interleukin 2 receptor subunit gamma; minus strand). Cytogenetic location: Xq13.1.
Variant type: single nucleotide variant.
Coding change: c.846G>A on transcript NM_000206.3 (MANE Select); coding-DNA position 846, G replaced by A.
Protein change: p.Trp282Ter; replaces tryptophan 282 with a stop codon.
Molecular consequence: nonsense.
Genome position (GRCh38, 1-based): chrX:71,108,607, C>T on the plus strand (G>A on the coding strand, the complement: IL2RG is on the minus strand). VCF-style: chrX-71108607-C-T. GRCh37 (hg19) VCF-style: chrX-70328457-C-T.
Other names: short protein forms W282*.
Identifiers: ClinVar variation 449136 (VCV000449136.2), dbSNP rs1556329954, ClinGen allele CA413628521.

ClinVar aggregate classification (germline): Pathogenic (1 of 4 stars; one submission).

Submission:

GeneDx
Classification: Pathogenic. Last evaluated: 2017-08-17. Review status: criteria provided, single submitter. Criteria: GeneDx Variant Classification (06012015). Collection method: clinical testing. Allele origin: germline. Affected: yes.
Comment: The W282X nonsense variant in the IL2RG gene has not been published as a pathogenic variant, nor has it been reported as a benign variant to our knowledge. It is predicted to cause loss of normal protein function either through protein truncation or nonsense-mediated mRNA decay. The variant is not observed in large population cohorts (Lek et al., 2016; 1000 Genomes Consortium et al., 2015; Exome Variant Server). In summary, we consider this variant to be pathogenic.